The following is an entry in ClinVar:

ClinVar aggregate classification (germline): Pathogenic (1 of 4 stars; one submission).

Conditions:
Neurofibromatosis, type 1 (NF1). Also called: Peripheral type neurofibromatosis; VON RECKLINGHAUSEN DISEASE; Neurofibromatosis, type I; NEUROFIBROMATOSIS, TYPE I, SOMATIC. Identifiers: Orphanet 636, MedGen C0027831, MONDO:0018975, OMIM 162200. Disease mechanism: loss of function.

Submission:

Labcorp Genetics (formerly Invitae), Labcorp
Classification: Pathogenic for Neurofibromatosis, type 1. Last evaluated: 2024-05-04. Review status: criteria provided, single submitter. Criteria: Invitae Variant Classification Sherloc (09022015). Collection method: clinical testing. Allele origin: germline.
Comment: This sequence change creates a premature translational stop signal (p.Glu1264Aspfs*20) in the NF1 gene. It is expected to result in an absent or disrupted protein product. Loss-of-function variants in NF1 are known to be pathogenic (PMID: 10712197, 23913538). This variant is not present in population databases (gnomAD no frequency). This variant has not been reported in the literature in individuals affected with NF1-related conditions. For these reasons, this variant has been classified as Pathogenic.

Literature cited by the submitters: PubMed 10712197; PubMed 23913538.

NM_001042492.3(NF1):c.3791_3792insT (p.Glu1264fs)

Gene: NF1 (neurofibromin 1; plus strand). Cytogenetic location: 17q11.2.
Variant type: Insertion.
Coding change: c.3791_3792insT on transcript NM_001042492.3 (MANE Select); coding-DNA positions 3791 to 3792, T inserted.
Protein change: p.Glu1264fs; shifts the reading frame from glutamic acid 1264.
Molecular consequence: frameshift variant.
Genome position: GRCh38 VCF-style: chr17-31235693-A-AT. GRCh37 (hg19) VCF-style: chr17-29562711-A-AT.
Other names: c.3791_3792insT, p.Glu1264Aspfs (NM_000267.4); short protein forms E1264fs.
Identifiers: ClinVar variation 3652084 (VCV003652084.2).